The following is an entry in ClinVar:

NM_005219.5(DIAPH1):c.863A>G (p.Glu288Gly)

Gene: DIAPH1 (diaphanous related formin 1; minus strand). Cytogenetic location: 5q31.3.
Variant type: single nucleotide variant.
Coding change: c.863A>G on transcript NM_005219.5 (MANE Select); coding-DNA position 863, A replaced by G.
Protein change: p.Glu288Gly; replaces glutamic acid 288 with glycine.
Molecular consequence: missense variant.
Genome position (GRCh38, 1-based): chr5:141,579,158, T>C on the plus strand (A>G on the coding strand, the complement: DIAPH1 is on the minus strand). VCF-style: chr5-141579158-T-C. GRCh37 (hg19) VCF-style: chr5-140958725-T-C.
Other names: c.836A>G, p.Glu279Gly (NM_001079812.3); c.863A>G, p.Glu288Gly (NM_001314007.2); short protein forms E279G, E288G.
Identifiers: ClinVar variation 949329 (VCV000949329.10), dbSNP rs547044466, ClinGen allele CA3479458.

ClinVar aggregate classification (germline): Uncertain significance (1 of 4 stars; one submission).

Conditions:
Progressive microcephaly-seizures-cortical blindness-developmental delay syndrome. Also called: Seizures, cortical blindness, and microcephaly syndrome. Identifiers: Orphanet 477814, MedGen C5567650, MONDO:0014714, OMIM 616632.
Autosomal dominant nonsyndromic hearing loss 1. Also called: DEAFNESS, AUTOSOMAL DOMINANT 1, WITH OR WITHOUT THROMBOCYTOPENIA; KONIGSMARK SYNDROME. Identifiers: Orphanet 90635, MedGen C1852282, MONDO:0007424, OMIM 124900.

Allele frequency attached by ClinVar (database versions not stated): gnomAD exomes below 0.00001 and 0.00002; gnomAD 0.00001; TOPMed 0.00001; ExAC 0.00002; 1000 Genomes Project 0.00020; 1000 Genomes Project 30x 0.00031.
gnomAD v4.1: 7 of 1,614,190 alleles (0.00043%); highest among the groups gnomAD compares: South Asian, 0.0055%; no homozygotes.

Submission:

Labcorp Genetics (formerly Invitae), Labcorp
Classification: Uncertain significance for Progressive microcephaly-seizures-cortical blindness-developmental delay syndrome; Autosomal dominant nonsyndromic hearing loss 1. Last evaluated: 2022-09-01. Review status: criteria provided, single submitter. Criteria: Invitae Variant Classification Sherloc (09022015). Collection method: clinical testing. Allele origin: germline.
Comment: This sequence change replaces glutamic acid, which is acidic and polar, with glycine, which is neutral and non-polar, at codon 288 of the DIAPH1 protein (p.Glu288Gly). This variant is present in population databases (rs547044466, gnomAD 0.01%). This variant has not been reported in the literature in individuals affected with DIAPH1-related conditions. ClinVar contains an entry for this variant (Variation ID: 949329). Algorithms developed to predict the effect of missense changes on protein structure and function are either unavailable or do not agree on the potential impact of this missense change (SIFT: "Tolerated"; PolyPhen-2: "Not Available"; Align-GVGD: "Class C0"). In summary, the available evidence is currently insufficient to determine the role of this variant in disease. Therefore, it has been classified as a Variant of Uncertain Significance.